The following is an entry in ClinVar:

NM_017514.5(PLXNA3):c.5467G>T (p.Val1823Phe)

Gene: PLXNA3 (plexin A3; plus strand). Cytogenetic location: Xq28.
Variant type: single nucleotide variant.
Coding change: c.5467G>T on transcript NM_017514.5 (MANE Select); coding-DNA position 5467, G replaced by T.
Protein change: p.Val1823Phe; replaces valine 1823 with phenylalanine.
Molecular consequence: missense variant.
Genome position (GRCh38, 1-based): chrX:154,471,585, G>T. VCF-style: chrX-154471585-G-T. GRCh37 (hg19) VCF-style: chrX-153699928-G-T.
Other names: short protein forms V1823F.
Identifiers: ClinVar variation 3215569 (VCV003215569.2), dbSNP rs782426462, ClinGen allele CA10565130.

ClinVar aggregate classification (germline): Uncertain significance. Review status: criteria provided, multiple submitters, no conflicts (2 of 4 stars). 2 submissions from 2 submitters: Uncertain significance (2). Last evaluated 2026-06-06.

Conditions:
PLXNA3-related disorder. Also called: PLXNA3-related condition.

Allele frequency attached by ClinVar (database versions not stated): 1000 Genomes Project 30x 0.00021.
gnomAD v4.1: 21 of 1,209,716 alleles (0.0017%); highest among the groups gnomAD compares: Admixed American, 0.033%; no homozygotes.

Submissions (2):

PreventionGenetics, part of Exact Sciences
Classification: Uncertain significance for PLXNA3-related condition. Last evaluated: 2026-06-06. Review status: criteria provided, single submitter. Criteria: ACMG Guidelines, 2015. Collection method: clinical testing. Allele origin: germline.
Comment: The PLXNA3 c.5467G>T variant is predicted to result in the amino acid substitution p.Val1823Phe. To our knowledge, this variant has not been reported in the literature. This variant is reported in 0.036% of alleles in individuals of Latino descent in gnomAD, including 1 hemizygous individual in gnomAD v2 and 4 hemizygous individuals in gnomAD v4. Although we suspect that this variant may be benign, at this time, the clinical significance of this variant is uncertain due to the absence of conclusive functional and genetic evidence.

Ambry Genetics
Classification: Uncertain significance. Last evaluated: 2023-11-22. Review status: criteria provided, single submitter. Criteria: Ambry Variant Classification Scheme 2023. Collection method: clinical testing. Allele origin: germline.